The following is an entry in ClinVar:

ClinVar aggregate classification (germline): Conflicting classifications of pathogenicity. Review status: criteria provided, conflicting classifications (1 of 4 stars). 6 submissions from 5 submitters: Uncertain significance (2); Benign (2); Likely benign (2). Last evaluated 2025-11-25.

Conditions:
VCAN-related disorder. Also called: VCAN-related condition.
Vitreoretinopathy. Also called: Vitreoretinal degeneration. Identifiers: MedGen C0344290, MONDO:0020248, HP:0007773.
Wagner disease. Also called: Wagner Vitreoretinal Degeneration (Wagner Synrdome); WAGNER SYNDROME 1; HYALOIDEORETINAL DEGENERATION OF WAGNER; Wagner syndrome; WAGNER VITREORETINAL DEGENERATION; WAGNER VITREORETINOPATHY. Identifiers: Orphanet 898, MedGen C1840452, MONDO:0007740, OMIM 143200.

Allele frequency attached by ClinVar (database versions not stated): ExAC 0.00011; gnomAD exomes 0.00012 and 0.00031; gnomAD 0.00016 and 0.00017; TOPMed 0.00017; ESP Exome Variant Server 0.00023.
gnomAD v4.1: 502 of 1,613,912 alleles (0.031%); highest among the groups gnomAD compares: Non-Finnish European, 0.039%; 1 homozygote.

Submissions (6):

Labcorp Genetics (formerly Invitae), Labcorp
Classification: Uncertain significance. Last evaluated: 2025-11-25. Review status: criteria provided, single submitter. Criteria: Invitae Variant Classification Sherloc (09022015). Collection method: clinical testing. Allele origin: germline.
Comment: This sequence change replaces glutamine, which is neutral and polar, with glutamic acid, which is acidic and polar, at codon 2108 of the VCAN protein (p.Gln2108Glu). This variant is present in population databases (rs62364883, gnomAD 0.02%). This variant has not been reported in the literature in individuals affected with VCAN-related conditions. ClinVar contains an entry for this variant (Variation ID: 907452). An algorithm developed to predict the effect of missense changes on protein structure and function (PolyPhen-2) suggests that this variant is likely to be tolerated. In summary, the available evidence is currently insufficient to determine the role of this variant in disease. Therefore, it has been classified as a Variant of Uncertain Significance.

PreventionGenetics, part of Exact Sciences
Classification: Uncertain significance for VCAN-related condition. Last evaluated: 2024-12-04. Review status: criteria provided, single submitter. Criteria: ACMG Guidelines, 2015. Collection method: clinical testing. Allele origin: germline.
Comment: The VCAN c.6322C>G variant is predicted to result in the amino acid substitution p.Gln2108Glu. To our knowledge, this variant has not been reported in the literature. This variant is reported in 0.028% of alleles in individuals of European (Non-Finnish) descent in gnomAD. Although we suspect that this variant may be benign, at this time, the clinical significance of this variant is uncertain due to the absence of conclusive functional and genetic evidence.

Blueprint Genetics
Classification: Likely benign. Last evaluated: 2024-09-21. Review status: criteria provided, single submitter. Criteria: ACMG Guidelines, 2015. Collection method: clinical testing. Allele origin: germline.

CeGaT Center for Human Genetics Tuebingen
Classification: Likely benign. Last evaluated: 2022-11-01. Review status: criteria provided, single submitter. Criteria: CeGaT Center For Human Genetics Tuebingen Variant Classification Criteria Version 2. Collection method: clinical testing. Allele origin: germline. Affected: yes. Observed: 2 variant alleles.
Comment: VCAN: BP4

Illumina Laboratory Services, Illumina
Classification: Benign for Wagner disease. Last evaluated: 2018-01-13. Review status: criteria provided, single submitter. Criteria: ICSL Variant Classification Criteria 13 December 2019. Collection method: clinical testing. Allele origin: germline.
Comment: This variant was observed in the ICSL laboratory as part of a predisposition screen in an ostensibly healthy population. It had not been previously curated by ICSL or reported in the Human Gene Mutation Database (HGMD: prior to June 1st, 2018), and was therefore a candidate for classification through an automated scoring system. Utilizing variant allele frequency, disease prevalence and penetrance estimates, and inheritance mode, an automated score was calculated to assess if this variant is too frequent to cause the disease. Based on the score and internal cut-off values, a variant classified as benign is not then subjected to further curation. The score for this variant resulted in a classification of benign for this disease.

Illumina Laboratory Services, Illumina
Classification: Benign for Vitreoretinopathy. Last evaluated: 2018-01-13. Review status: criteria provided, single submitter. Criteria: ICSL Variant Classification Criteria 13 December 2019. Collection method: clinical testing. Allele origin: germline.
Comment: the same text as in the submission from Illumina Laboratory Services, Illumina above.

NM_004385.5(VCAN):c.6322C>G (p.Gln2108Glu)

Genes: VCAN-AS1 (VCAN antisense RNA 1; minus strand), VCAN (versican; plus strand). Cytogenetic location: 5q14.3.
Variant type: single nucleotide variant.
Coding change: c.6322C>G on transcript NM_004385.5 (MANE Select); coding-DNA position 6322, C replaced by G.
Protein change: p.Gln2108Glu; replaces glutamine 2108 with glutamic acid.
Molecular consequence: missense variant. On other transcripts: intron variant (2).
Genome position (GRCh38, 1-based): chr5:83,539,325, C>G. VCF-style: chr5-83539325-C-G. GRCh37 (hg19) VCF-style: chr5-82835144-C-G.
Other names: c.3361C>G, p.Gln1121Glu (NM_001164097.2); c.4004-6212C>G (NM_001164098.2); c.1043-6212C>G (NM_001126336.3); short protein forms Q1121E, Q2108E.
Identifiers: ClinVar variation 907452 (VCV000907452.35), dbSNP rs62364883, ClinGen allele CA3333471.